The following is an entry in ClinVar:

ClinVar aggregate classification (germline): Likely benign (1 of 4 stars; one submission).

Submission:

CeGaT Center for Human Genetics Tuebingen
Classification: Likely benign. Last evaluated: 2026-09-01. Review status: criteria provided, single submitter. Criteria: CeGaT Center For Human Genetics Tuebingen Variant Classification Criteria Version 2. Collection method: clinical testing. Allele origin: germline. Affected: yes. Observed: 1 variant allele.
Comment: MYH8: PM2:Supporting, BP4, BP7

NM_002472.3(MYH8):c.4812G>A (p.Leu1604=)

Genes: MYH8 (myosin heavy chain 8; minus strand), MYHAS (myosin heavy chain gene cluster antisense RNA; plus strand). Cytogenetic location: 17p13.1.
Variant type: single nucleotide variant.
Coding change: c.4812G>A on transcript NM_002472.3 (MANE Select); coding-DNA position 4812, G replaced by A.
Protein change: p.Leu1604=; no amino-acid change (leucine 1604 retained).
Molecular consequence: synonymous variant.
Genome position (GRCh38, 1-based): chr17:10,395,283, C>T on the plus strand (G>A on the coding strand, the complement: MYH8 is on the minus strand). VCF-style: chr17-10395283-C-T. GRCh37 (hg19) VCF-style: chr17-10298600-C-T.
Identifiers: ClinVar variation 5041770 (VCV005041770.1).
Genomic context (GRCh38, chr17:10,395,283, plus strand): 5'-ATCTCCTTCCATTTTCTTCTTGACTCTCAGAGCATCATTTCTGCTTCTAATCTCTGCATC[C>T]AGCGTGCTCTGCATTGTCTCCACGACTCTAGTGTGGTTTCTCTTCAGCTGGTCAATTTCC-3'
Protein context (NP_002463.2, residues 1594-1614): TRVVETMQST[Leu1604=]DAEIRSRNDA